The following is an entry in ClinVar:

ClinVar aggregate classification (germline): Uncertain significance (1 of 4 stars; one submission).

Conditions:
Familial hemiplegic migraine. Identifiers: MedGen C0338484, MONDO:0000700.

Submission:

Labcorp Genetics (formerly Invitae), Labcorp
Classification: Uncertain significance for Familial hemiplegic migraine. Last evaluated: 2022-07-26. Review status: criteria provided, single submitter. Criteria: Invitae Variant Classification Sherloc (09022015). Collection method: clinical testing. Allele origin: germline.
Comment: In summary, the available evidence is currently insufficient to determine the role of this variant in disease. Therefore, it has been classified as a Variant of Uncertain Significance. Advanced modeling of protein sequence and biophysical properties (such as structural, functional, and spatial information, amino acid conservation, physicochemical variation, residue mobility, and thermodynamic stability) performed at Invitae indicates that this missense variant is expected to disrupt ATP1A2 protein function. This variant has not been reported in the literature in individuals affected with ATP1A2-related conditions. This variant is not present in population databases (gnomAD no frequency). This sequence change replaces glutamine, which is neutral and polar, with lysine, which is basic and polar, at codon 694 of the ATP1A2 protein (p.Gln694Lys).

NM_000702.4(ATP1A2):c.2080C>A (p.Gln694Lys)

Gene: ATP1A2 (ATPase Na+/K+ transporting subunit alpha 2; plus strand). Cytogenetic location: 1q23.2.
Variant type: single nucleotide variant.
Coding change: c.2080C>A on transcript NM_000702.4 (MANE Select); coding-DNA position 2080, C replaced by A.
Protein change: p.Gln694Lys; replaces glutamine 694 with lysine.
Molecular consequence: missense variant.
Genome position (GRCh38, 1-based): chr1:160,135,260, C>A. VCF-style: chr1-160135260-C-A. GRCh37 (hg19) VCF-style: chr1-160105050-C-A.
Other names: short protein forms Q694K.
Identifiers: ClinVar variation 2085408 (VCV002085408.4), dbSNP rs1003948759, ClinGen allele CA31500998.